The following is an entry in ClinVar:

ClinVar aggregate classification (germline): Uncertain significance (1 of 4 stars; one submission).

gnomAD v4.1: 10 of 1,204,320 alleles (0.00083%); highest among the groups gnomAD compares: Admixed American, 0.0022%; no homozygotes.

Submission:

Ambry Genetics
Classification: Uncertain significance. Last evaluated: 2026-02-26. Review status: criteria provided, single submitter. Criteria: Ambry Variant Classification Scheme 2023. Collection method: clinical testing. Allele origin: germline.
Comment: The c.401G>A (p.R134Q) alteration is located in exon 6 (coding exon 5) of the TIMM17B gene. This alteration results from a G to A substitution at nucleotide position 401, causing the arginine (R) at amino acid position 134 to be replaced by a glutamine (Q). Based on data from gnomAD, the A allele has an overall frequency of 0.001% (2/191532) total alleles studied. The highest observed frequency was 0.002% (2/84873) of European (non-Finnish) alleles. Based on insufficient or conflicting evidence, the clinical significance of this alteration remains unclear.

NM_001395498.1(TIMM17B):c.251G>A (p.Arg84Gln)

Gene: TIMM17B (translocase of inner mitochondrial membrane 17B; minus strand). Cytogenetic location: Xp11.23.
Variant type: single nucleotide variant.
Coding change: c.251G>A on transcript NM_001395498.1 (MANE Select); coding-DNA position 251, G replaced by A.
Protein change: p.Arg84Gln; replaces arginine 84 with glutamine.
Molecular consequence: missense variant.
Genome position (GRCh38, 1-based): chrX:48,894,165, C>T on the plus strand (G>A on the coding strand, the complement: TIMM17B is on the minus strand). VCF-style: chrX-48894165-C-T. GRCh37 (hg19) VCF-style: chrX-48751448-C-T.
Other names: c.401G>A, p.Arg134Gln (NM_001167947.2, NM_001395497.1); c.251G>A, p.Arg84Gln (NM_005834.5); short protein forms R84Q, R134Q.
Identifiers: ClinVar variation 3177531 (VCV003177531.2), dbSNP rs959877221, ClinGen allele CA329093406.
Genomic context (GRCh38, chrX:48,894,165, plus strand): 5'-GCCAGCACAGCCCCGGTCAATGCTCCACTGGTGATAGAGTTCCAGGGATCCTCCTTGCCC[C>T]GAAGCCGCACCAGGCCACAGTCGATGGTGGAGAACAGGCCCCCCCACACTGCGAAGCTAC-3'
Protein context (NP_001382427.1, residues 74-94): STIDCGLVRL[Arg84Gln]GKEDPWNSIT